The following is an entry in ClinVar:

ClinVar aggregate classification (germline): Uncertain significance (1 of 4 stars; one submission).

Submission:

ISCA site 14
Classification: Uncertain significance. Last evaluated: 2011-08-12. Review status: criteria provided, single submitter. Criteria: Kaminsky et al. (Genet Med. 2011). Collection method: clinical testing. Allele origin: unknown. Affected: yes. Observed: 1 variant allele.
Comment: Copy number variation identified through the course of routine clinical cytogenomic testing in postnatal populations. Clinical assertions have been curated as described in Kaminsky et al. 2011.

GRCh38/hg38 Xq23(chrX:113074081-113682980)x3

Genes: XACT (X active specific transcript; minus strand), LOC101928437 (uncharacterized LOC101928437; plus strand), LOC126863303 (MED14-independent group 3 enhancer GRCh37_chrX:112516938-112518137; plus strand). Cytogenetic location: Xq23.
Variant type: copy number gain.
Change: copy number 3 of chrX:113,074,081-113,682,980 (608.9 kb, GRCh38 coordinates, 1-based), cytogenetic band Xq23.
Identifiers: ClinVar variation 60354 (VCV000060354.1).